The following is an entry in ClinVar:

ClinVar aggregate classification (germline): Uncertain significance (1 of 4 stars; one submission).

Conditions:
Cardiovascular phenotype. Identifiers: MedGen CN230736.

gnomAD v4.1: 3 of 1,613,562 alleles (0.00019%); highest among the groups gnomAD compares: Non-Finnish European, 0.00025%; no homozygotes.

Submission:

Ambry Genetics
Classification: Uncertain significance for Cardiovascular phenotype. Last evaluated: 2026-08-19. Review status: criteria provided, single submitter. Criteria: Ambry Variant Classification Scheme 2023. Collection method: clinical testing. Allele origin: germline.
Comment: The p.L835S variant (also known as c.2504T>C), located in coding exon 20 of the ABCC9 gene, results from a T to C substitution at nucleotide position 2504. The leucine at codon 835 is replaced by serine, an amino acid with dissimilar properties. This amino acid position is conserved. In addition, this alteration is predicted to be deleterious by in silico analysis. Based on the available evidence, the clinical significance of this variant remains unclear.

NM_020297.4(ABCC9):c.2504T>C (p.Leu835Ser)

Gene: ABCC9 (ATP binding cassette subfamily C member 9; minus strand). Cytogenetic location: 12p12.1.
Variant type: single nucleotide variant.
Coding change: c.2504T>C on transcript NM_020297.4 (MANE Select); coding-DNA position 2504, T replaced by C.
Protein change: p.Leu835Ser; replaces leucine 835 with serine.
Molecular consequence: missense variant.
Genome position (GRCh38, 1-based): chr12:21,859,587, A>G on the plus strand (T>C on the coding strand, the complement: ABCC9 is on the minus strand). VCF-style: chr12-21859587-A-G. GRCh37 (hg19) VCF-style: chr12-22012521-A-G.
Other names: c.2504T>C, p.Leu835Ser (NM_001377273.1, NM_005691.4); c.1637T>C, p.Leu546Ser (NM_001377274.1); short protein forms L835S, L546S.
Identifiers: ClinVar variation 5023842 (VCV005023842.1).